The following is an entry in ClinVar:

ClinVar aggregate classification (germline): Uncertain significance (1 of 4 stars; one submission).

Conditions:
Gastrointestinal stromal tumor. Also called: Gastrointestinal stromal tumor, somatic; Gastrointestinal stroma tumor. Identifiers: Orphanet 44890, MedGen C0238198, MeSH D046152, MONDO:0011719, OMIM 606764, HP:0100723.
Pheochromocytoma/paraganglioma syndrome 3. Also called: GLOMUS TUMORS, FAMILIAL, 3; Paragangliomas 3; SDHC-Related Hereditary Paraganglioma-Pheochromocytoma Syndrome (Paragangliomas 3); SDHC-Related Hereditary Paraganglioma-Pheochromocytoma Syndrome. Identifiers: Orphanet 29072, MedGen C1854336, MONDO:0011544, OMIM 605373.

Submission:

Labcorp Genetics (formerly Invitae), Labcorp
Classification: Uncertain significance for Pheochromocytoma/paraganglioma syndrome 3; Gastrointestinal stromal tumor. Last evaluated: 2023-01-18. Review status: criteria provided, single submitter. Criteria: Invitae Variant Classification Sherloc (09022015). Collection method: clinical testing. Allele origin: germline.
Comment: In summary, the available evidence is currently insufficient to determine the role of this variant in disease. Therefore, it has been classified as a Variant of Uncertain Significance. This variant has not been reported in the literature in individuals affected with SDHC-related conditions. This variant is not present in population databases (gnomAD no frequency). This sequence change results in a frameshift in the SDHC gene (p.Ala167Glyfs*40). While this is not anticipated to result in nonsense mediated decay, it is expected to disrupt the last 3 amino acid(s) of the SDHC protein and extend the protein by 36 additional amino acid residues.

NM_003001.5(SDHC):c.497dup (p.Ala167fs)

Gene: SDHC (succinate dehydrogenase complex subunit C; plus strand). Cytogenetic location: 1q23.3.
Variant type: Duplication.
Coding change: c.497dup on transcript NM_003001.5 (MANE Select); coding-DNA position 497, one base duplicated (T; older notation c.497dupT).
Protein change: p.Ala167fs; shifts the reading frame from alanine 167.
Molecular consequence: frameshift variant. On other transcripts: non-coding transcript variant (1).
Genome position (GRCh38, 1-based): chr1:161,362,420, T duplicated. VCF-style (leftmost placement, unchanged base first): chr1-161362419-C-CT. GRCh37 (hg19) VCF-style: chr1-161332209-C-CT.
Other names: c.333dup, p.Gly112fs (NM_001035511.3); c.395dup, p.Ala133fs (NM_001035512.3); c.338dup, p.Ala114fs (NM_001035513.3); c.231dup, p.Gly78fs (NM_001278172.3); c.617dup, p.Ala207fs (NM_001407115.1); c.440dup, p.Ala148fs (NM_001407116.1); c.434dup, p.Ala146fs (NM_001407117.1); c.389dup, p.Ala131fs (NM_001407118.1); and 2 more; short protein forms A131fs, A167fs, G112fs, G93fs, A130fs, A146fs, G78fs, A114fs.
Identifiers: ClinVar variation 2943305 (VCV002943305.3), dbSNP rs2526573810, ClinGen allele CA2740090400.
Genomic context (GRCh38, chr1:161,362,419, plus strand): 5'-CCCCAGCTATACCAGTCTGGAGTGGTTGTCCTGGTTCTTACTGTGTTGTCCTCTATGGGG[C>CT]TGGCAGCCATGTGAAGAAAGGAGGCTCCCAGCATCATCTTCCTACACATTATTACATTCA-3'